The following is an entry in ClinVar:

ClinVar aggregate classification (germline): Benign/Likely benign. Review status: criteria provided, multiple submitters, no conflicts (2 of 4 stars). 3 submissions from 3 submitters: Benign (1); Likely benign (1). 1 of the submissions does not count toward it. Last evaluated 2026-02-02.

Conditions:
FOXP1-related disorder. Also called: FOXP1-related condition.

Allele frequency attached by ClinVar (database versions not stated): gnomAD exomes 0.00003 and 0.00014; ExAC 0.00020; gnomAD 0.00031 and 0.00036; TOPMed 0.00032; ESP Exome Variant Server 0.00069.
gnomAD v4.1: 138 of 1,601,424 alleles (0.0086%); highest among the groups gnomAD compares: African/African-American, 0.052%; 5 homozygotes.

Submissions (3):

Labcorp Genetics (formerly Invitae), Labcorp
Classification: Benign. Last evaluated: 2026-02-02. Review status: criteria provided, single submitter. Criteria: Invitae Variant Classification Sherloc (09022015). Collection method: clinical testing. Allele origin: germline.

Blueprint Genetics
Classification: Likely benign. Last evaluated: 2024-10-21. Review status: criteria provided, single submitter. Criteria: ACMG Guidelines, 2015. Collection method: clinical testing. Allele origin: germline.

PreventionGenetics, part of Exact Sciences
Classification: Likely benign for FOXP1-related condition. Last evaluated: 2023-03-06. Review status: no assertion criteria provided. Collection method: clinical testing. Allele origin: germline. Not counted in ClinVar's aggregate classification.
Comment: This variant is classified as likely benign based on ACMG/AMP sequence variant interpretation guidelines (Richards et al. 2015 PMID: 25741868, with internal and published modifications).

NM_001349338.3(FOXP1):c.1428+9A>G

Gene: FOXP1 (forkhead box P1; minus strand). Cytogenetic location: 3p13.
Variant type: single nucleotide variant.
Coding change: c.1428+9A>G on transcript NM_001349338.3 (MANE Select); 9 bases into the intron after coding-DNA position 1428, A replaced by G.
Molecular consequence: intron variant.
Genome position (GRCh38, 1-based): chr3:70,977,634, T>C on the plus strand (A>G on the coding strand, the complement: FOXP1 is on the minus strand). VCF-style: chr3-70977634-T-C. GRCh37 (hg19) VCF-style: chr3-71026785-T-C.
Other names: c.1428+9A>G (NM_001244810.2, NM_032682.6, NM_001349340.3 and 2 more transcripts); c.1425+9A>G (NM_001349341.3, NM_001244808.3); c.1200+9A>G (NM_001244812.3); c.1125+9A>G (NM_001349343.3, NM_001349337.2, NM_001370548.1 and 1 more transcripts); c.1128+9A>G (NM_001349342.3, NM_001244815.2, NM_001244813.3).
Identifiers: ClinVar variation 733411 (VCV000733411.11), dbSNP rs373976764, ClinGen allele CA2490996.